The following is an entry in ClinVar:

ClinVar aggregate classification (germline): Likely benign (1 of 4 stars; one submission).

Allele frequency attached by ClinVar (database versions not stated): 1000 Genomes Project 0.00280; 1000 Genomes Project 30x 0.00312; TOPMed 0.00932; gnomAD 0.00933 and 0.00976; gnomAD exomes 0.01600.
gnomAD v4.1: 17,016 of 1,143,100 alleles (1.5%); highest among the groups gnomAD compares: Non-Finnish European, 2%; 189 homozygotes.

Submission:

GeneDx
Classification: Likely benign. Last evaluated: 2018-06-14. Review status: criteria provided, single submitter. Criteria: GeneDx Variant Classification (06012015). Collection method: clinical testing. Allele origin: germline. Affected: yes.
Comment: This variant is considered likely benign or benign based on one or more of the following criteria: it is a conservative change, it occurs at a poorly conserved position in the protein, it is predicted to be benign by multiple in silico algorithms, and/or has population frequency not consistent with disease.

NM_006070.6(TFG):c.185-57T>C

Gene: TFG (trafficking from ER to golgi regulator; plus strand). Cytogenetic location: 3q12.2.
Variant type: single nucleotide variant.
Coding change: c.185-57T>C on transcript NM_006070.6 (MANE Select); 57 bases into the intron before coding-DNA position 185, T replaced by C.
Molecular consequence: intron variant.
Genome position (GRCh38, 1-based): chr3:100,719,918, T>C. VCF-style: chr3-100719918-T-C. GRCh37 (hg19) VCF-style: chr3-100438762-T-C.
Other names: c.185-57T>C (NM_001007565.2, NM_001195479.2, NM_001195478.2).
Identifiers: ClinVar variation 674181 (VCV000674181.1), dbSNP rs78081928, ClinGen allele CA79696199.
Genomic context (GRCh38, chr3:100,719,918, plus strand): 5'-GTCCAACTATGTTCTACAATCTACATTTTGGATTTTTAATTTTTACTAGTTTACTGCTTA[T>C]ACAAATCTGAAAATTTAAAAAATTAAAAAACAACCTTTTTTTTTTTTAAATTCCAGATGG-3'